The following is an entry in ClinVar:

NM_001042492.3(NF1):c.1531C>A (p.Pro511Thr)

Gene: NF1 (neurofibromin 1; plus strand). Cytogenetic location: 17q11.2.
Variant type: single nucleotide variant.
Coding change: c.1531C>A on transcript NM_001042492.3 (MANE Select); coding-DNA position 1531, C replaced by A.
Protein change: p.Pro511Thr; replaces proline 511 with threonine.
Molecular consequence: missense variant.
Genome position (GRCh38, 1-based): chr17:31,219,008, C>A. VCF-style: chr17-31219008-C-A. GRCh37 (hg19) VCF-style: chr17-29546026-C-A.
Other names: c.1531C>A, p.Pro511Thr (NM_000267.4, NM_001128147.3); short protein forms P511T.
Identifiers: ClinVar variation 3238374 (VCV003238374.1), dbSNP rs2143985611.
Genomic context (GRCh38, chr17:31,219,008, plus strand): 5'-CTAATCTCTCTCGATTTATTTATTTTTTTAATTGAAGTTTCCTTTTTTTCCTTGCAGAAT[C>A]CAAGAAAACAGGGGCCCGAAACCCAAGGCAGTACAGCAGAATTAATTACAGGGCTCGTCC-3'
Protein context (NP_001035957.1, residues 501-521): HADPKLLLCN[Pro511Thr]RKQGPETQGS

ClinVar aggregate classification (germline): Uncertain significance (1 of 4 stars; one submission).

Conditions:
Hereditary cancer-predisposing syndrome. Also called: Neoplastic Syndromes, Hereditary; Tumor predisposition; Hereditary neoplastic syndrome; Hereditary Cancer Syndrome. Identifiers: Orphanet 140162, MedGen C0027672, MeSH D009386, MONDO:0015356.
Cardiovascular phenotype. Identifiers: MedGen CN230736.

Submission:

Ambry Genetics
Classification: Uncertain significance for Cardiovascular phenotype; Hereditary cancer-predisposing syndrome. Last evaluated: 2023-09-25. Review status: criteria provided, single submitter. Criteria: Ambry Variant Classification Scheme 2023. Collection method: clinical testing. Allele origin: germline.
Comment: The p.P511T variant (also known as c.1531C>A), located in coding exon 14 of the NF1 gene, results from a C to A substitution at nucleotide position 1531. The proline at codon 511 is replaced by threonine, an amino acid with highly similar properties. This amino acid position is conserved. In addition, this alteration is predicted to be tolerated by in silico analysis. Since supporting evidence is limited at this time, the clinical significance of this alteration remains unclear.